The following is an entry in ClinVar:

NM_006031.6(PCNT):c.244G>A (p.Ala82Thr)

Gene: PCNT (pericentrin; plus strand). Cytogenetic location: 21q22.3.
Variant type: single nucleotide variant.
Coding change: c.244G>A on transcript NM_006031.6 (MANE Select); coding-DNA position 244, G replaced by A.
Protein change: p.Ala82Thr; replaces alanine 82 with threonine.
Molecular consequence: missense variant. On other transcripts: 5 prime UTR variant (1).
Genome position (GRCh38, 1-based): chr21:46,326,566, G>A. VCF-style: chr21-46326566-G-A. GRCh37 (hg19) VCF-style: chr21-47746480-G-A.
Other names: c.-111G>A (NM_001315529.2); short protein forms A82T.
Identifiers: ClinVar variation 159570 (VCV000159570.38), dbSNP rs143870030, ClinGen allele CA251033.
Genomic context (GRCh38, chr21:46,326,566, plus strand): 5'-GCACTCTGTGGAGGAGGGGACATTTGCAAAAGCACATCATGTGACGACACCCCTGATGGG[G>A]CAGGAGGGGCCTTTGCAGCTCAGGTAGATTTGCTCAATGTTGTATTTGAACATTTCGCTT-3'
Protein context (NP_006022.3, residues 72-92): STSCDDTPDG[Ala82Thr]GGAFAAQPED

ClinVar aggregate classification (germline): Uncertain significance. Review status: criteria provided, multiple submitters, no conflicts (2 of 4 stars). 7 submissions from 7 submitters: Uncertain significance (6). 1 of the submissions does not count toward it. Last evaluated 2025-12-01.

Conditions:
PCNT-related disorder. Also called: PCNT-related condition.
Microcephalic osteodysplastic primordial dwarfism type II (MOPD2). Also called: MOPD II; OSTEODYSPLASTIC PRIMORDIAL DWARFISM, TYPE II; Microcephalic osteodysplastic primordial dwarfism with tooth abnormalities. Identifiers: Orphanet 2637, MedGen C0432246, MONDO:0008872, OMIM 210720.

Allele frequency attached by ClinVar (database versions not stated): TOPMed 0.00009; gnomAD exomes 0.00013 and 0.00015; ESP Exome Variant Server 0.00015; gnomAD 0.00015 and 0.00009; ExAC 0.00016; 1000 Genomes Project 30x 0.00031; 1000 Genomes Project 0.00040.
gnomAD v4.1: 219 of 1,614,086 alleles (0.014%); highest among the groups gnomAD compares: East Asian, 0.33%; no homozygotes.

Submissions (7):

Women's Health and Genetics/Laboratory Corporation of America, LabCorp
Classification: Uncertain significance. Last evaluated: 2025-12-01. Review status: criteria provided, single submitter. Criteria: LabCorp Variant Classification Summary - May 2015. Collection method: clinical testing. Allele origin: germline.
Comment: Variant summary: PCNT c.244G>A (p.Ala82Thr) results in a non-conservative amino acid change in the encoded protein sequence. Algorithms developed to predict the effect of missense changes on protein structure and function are either unavailable or do not agree on the potential impact of this missense change. The variant allele was found at a frequency of 0.00015 in 251396 control chromosomes. This frequency is not significantly higher than estimated for disease-causing variants in PCNT, allowing no conclusion about variant significance. To our knowledge, no occurrence of c.244G>A in individuals affected with PCNT-related conditions and no experimental evidence demonstrating its impact on protein function have been reported. ClinVar contains an entry for this variant (Variation ID: 159570). Based on the evidence outlined above, the variant was classified as uncertain significance.

Labcorp Genetics (formerly Invitae), Labcorp
Classification: Uncertain significance. Last evaluated: 2025-09-02. Review status: criteria provided, single submitter. Criteria: Invitae Variant Classification Sherloc (09022015). Collection method: clinical testing. Allele origin: germline.
Comment: This sequence change replaces alanine, which is neutral and non-polar, with threonine, which is neutral and polar, at codon 82 of the PCNT protein (p.Ala82Thr). This variant is present in population databases (rs143870030, gnomAD 0.1%). This variant has not been reported in the literature in individuals affected with PCNT-related conditions. ClinVar contains an entry for this variant (Variation ID: 159570). An algorithm developed to predict the effect of missense changes on protein structure and function outputs the following: PolyPhen-2: "Benign". The threonine amino acid residue is found in multiple mammalian species, which suggests that this missense change does not adversely affect protein function. In summary, the available evidence is currently insufficient to determine the role of this variant in disease. Therefore, it has been classified as a Variant of Uncertain Significance.

Blueprint Genetics
Classification: Uncertain significance. Last evaluated: 2024-10-29. Review status: criteria provided, single submitter. Criteria: ACMG Guidelines, 2015. Collection method: clinical testing. Allele origin: germline.

CeGaT Center for Human Genetics Tuebingen
Classification: Uncertain significance. Last evaluated: 2023-07-01. Review status: criteria provided, single submitter. Criteria: CeGaT Center For Human Genetics Tuebingen Variant Classification Criteria Version 2. Collection method: clinical testing. Allele origin: germline. Affected: yes. Observed: 1 variant allele.
Comment: PCNT: PM3, PM2:Supporting, BP4

Illumina Laboratory Services, Illumina
Classification: Uncertain significance for Microcephalic osteodysplastic primordial dwarfism type II. Last evaluated: 2018-01-13. Review status: criteria provided, single submitter. Criteria: ICSL Variant Classification Criteria 13 December 2019. Collection method: clinical testing. Allele origin: germline.

Genetic Services Laboratory, University of Chicago
Classification: Uncertain significance for Microcephalic osteodysplastic primordial dwarfism, type II. Last evaluated: 2013-11-12. Review status: criteria provided, single submitter. Criteria: ACMG Guidelines, 2007. Collection method: clinical testing. Allele origin: germline. Inheritance: Autosomal recessive inheritance.

PreventionGenetics, part of Exact Sciences
Classification: Uncertain significance for PCNT-related condition. Last evaluated: 2024-06-05. Review status: no assertion criteria provided. Collection method: clinical testing. Allele origin: germline. Not counted in ClinVar's aggregate classification.
Comment: The PCNT c.244G>A variant is predicted to result in the amino acid substitution p.Ala82Thr. To our knowledge, this variant has not been reported in the literature in individuals with PCNT-related disorders. This variant is reported in 0.13% of alleles in individuals of East Asian descent in gnomAD, which may be too common to be a primary cause of disease. Although we suspect this variant is benign, at this time, the clinical significance of this variant is uncertain due to the absence of conclusive functional and genetic evidence.